The following is an entry in ClinVar:

NM_000255.4(MMUT):c.1677-164A>T

Gene: MMUT (methylmalonyl-CoA mutase; minus strand). Cytogenetic location: 6p12.3.
Variant type: single nucleotide variant.
Coding change: c.1677-164A>T on transcript NM_000255.4 (MANE Select); 164 bases into the intron before coding-DNA position 1677, A replaced by T.
Molecular consequence: intron variant.
Genome position (GRCh38, 1-based): chr6:49,442,135, T>A on the plus strand (A>T on the coding strand, the complement: MMUT is on the minus strand). VCF-style: chr6-49442135-T-A. GRCh37 (hg19) VCF-style: chr6-49409848-T-A.
Identifiers: ClinVar variation 674051 (VCV000674051.3), dbSNP rs9463483, ClinGen allele CA138795194.

ClinVar aggregate classification (germline): Benign. Review status: criteria provided, multiple submitters, no conflicts (2 of 4 stars). 2 submissions from 2 submitters: Benign (2). Last evaluated 2021-06-19.

Conditions:
Methylmalonic aciduria due to methylmalonyl-CoA mutase deficiency (MAMM). Also called: Methylmalonic aciduria, mut type. Identifiers: Orphanet 27, MedGen C1855114, MONDO:0009612, OMIM 251000.

Allele frequency attached by ClinVar (database versions not stated): 1000 Genomes Project 0.32847; 1000 Genomes Project 30x 0.32917; TOPMed 0.34319.
gnomAD v4.1: 54,016 of 151,980 alleles (36%); highest among the groups gnomAD compares: African/African-American, 39%; 9,787 homozygotes.

Submissions (2):

Pars Genome Lab
Classification: Benign for Methylmalonic aciduria due to methylmalonyl-CoA mutase deficiency. Last evaluated: 2021-06-19. Review status: criteria provided, single submitter. Criteria: ACMG Guidelines, 2015. Collection method: clinical testing. Allele origin: germline. Affected: no.

GeneDx
Classification: Benign. Last evaluated: 2018-06-14. Review status: criteria provided, single submitter. Criteria: GeneDx Variant Classification (06012015). Collection method: clinical testing. Allele origin: germline. Affected: yes.
Comment: This variant is considered likely benign or benign based on one or more of the following criteria: it is a conservative change, it occurs at a poorly conserved position in the protein, it is predicted to be benign by multiple in silico algorithms, and/or has population frequency not consistent with disease.